The following is an entry in ClinVar:

ClinVar aggregate classification (germline): Uncertain significance. Review status: criteria provided, multiple submitters, no conflicts (2 of 4 stars). 2 submissions from 2 submitters: Uncertain significance (2). Last evaluated 2024-09-26.

Conditions:
Autosomal recessive congenital ichthyosis 5 (ARCI5). Also called: Ichthyosis, nonlamellar and nonerythrodermic, congenital, autosomal recessive; ICHTHYOSIS CONGENITA III. Identifiers: Orphanet 313, MedGen C1858133, MONDO:0011485, OMIM 604777.

Allele frequency attached by ClinVar (database versions not stated): gnomAD exomes 0.00012 and 0.00018; ExAC 0.00017; gnomAD 0.00007 and 0.00011; TOPMed 0.00005; 1000 Genomes Project 30x 0.00047; 1000 Genomes Project 0.00060.
gnomAD v4.1: 190 of 1,614,228 alleles (0.012%); highest among the groups gnomAD compares: East Asian, 0.3%; 2 homozygotes.

Submissions (2):

GeneDx
Classification: Uncertain significance. Last evaluated: 2024-09-26. Review status: criteria provided, single submitter. Criteria: GeneDx Variant Classification Process June 2021. Collection method: clinical testing. Allele origin: germline. Affected: yes.
Comment: Has not been previously published as pathogenic or benign to our knowledge; In silico analysis supports that this missense variant has a deleterious effect on protein structure/function

Illumina Laboratory Services, Illumina
Classification: Uncertain significance for Autosomal recessive congenital ichthyosis 5. Last evaluated: 2018-01-13. Review status: criteria provided, single submitter. Criteria: ICSL Variant Classification Criteria 13 December 2019. Collection method: clinical testing. Allele origin: germline.

NM_173483.4(CYP4F22):c.850C>T (p.Arg284Trp)

Gene: CYP4F22 (cytochrome P450 family 4 subfamily F member 22; plus strand). Cytogenetic location: 19p13.12.
Variant type: single nucleotide variant.
Coding change: c.850C>T on transcript NM_173483.4 (MANE Select); coding-DNA position 850, C replaced by T.
Protein change: p.Arg284Trp; replaces arginine 284 with tryptophan.
Molecular consequence: missense variant.
Genome position (GRCh38, 1-based): chr19:15,540,628, C>T. VCF-style: chr19-15540628-C-T. GRCh37 (hg19) VCF-style: chr19-15651439-C-T.
Other names: short protein forms R284W.
Identifiers: ClinVar variation 328437 (VCV000328437.6), dbSNP rs199782025, ClinGen allele CA9269716.